The following is an entry in ClinVar:

NM_014795.4(ZEB2):c.3435G>C (p.Glu1145Asp)

Gene: ZEB2 (zinc finger E-box binding homeobox 2; minus strand). Cytogenetic location: 2q22.3.
Variant type: single nucleotide variant.
Coding change: c.3435G>C on transcript NM_014795.4 (MANE Select); coding-DNA position 3435, G replaced by C.
Protein change: p.Glu1145Asp; replaces glutamic acid 1145 with aspartic acid.
Molecular consequence: missense variant.
Genome position (GRCh38, 1-based): chr2:144,389,661, C>G on the plus strand (G>C on the coding strand, the complement: ZEB2 is on the minus strand). VCF-style: chr2-144389661-C-G. GRCh37 (hg19) VCF-style: chr2-145147228-C-G.
Other names: c.3363G>C, p.Glu1121Asp (NM_001171653.2); short protein forms E1121D, E1145D.
Identifiers: ClinVar variation 1994894 (VCV001994894.5), dbSNP rs2549101670, ClinGen allele CA348699308.
Genomic context (GRCh38, chr2:144,389,661, plus strand): 5'-TTCCTCTTCCTCCTCGAACTCCTCGTCGCCATCCTGTCTGCCCAGCTTCCCGTAGCCATC[C>G]TCGCCTTCTTTCTCGTGCTCCTTCTCGCTCTCGCCATCCCTCGGCATACTCTCCCTCTCC-3'
Protein context (NP_055610.1, residues 1135-1155): ESEKEHEKEG[Glu1145Asp]DGYGKLGRQD

ClinVar aggregate classification (germline): Uncertain significance. Review status: criteria provided, multiple submitters, no conflicts (2 of 4 stars). 2 submissions from 2 submitters: Uncertain significance (2). Last evaluated 2025-02-16.

Conditions:
Mowat-Wilson syndrome (MOWS). Also called: Classic Mowat-Wilson Syndrome. Identifiers: Orphanet 2152, MedGen C1856113, MONDO:0009341, OMIM 235730.

Allele frequency attached by ClinVar (database versions not stated): gnomAD exomes below 0.00001.
gnomAD v4.1: 2 of 1,614,140 alleles (0.00012%); highest among the groups gnomAD compares: Non-Finnish European, 0.00017%; no homozygotes.

Submissions (2):

Laboratory of Genetics, Children's Clinical University Hospital Latvia
Classification: Uncertain significance. Last evaluated: 2025-02-16. Review status: criteria provided, single submitter. Criteria: ACMG Guidelines, 2015. Collection method: clinical testing. Allele origin: germline. Affected: yes.

Labcorp Genetics (formerly Invitae), Labcorp
Classification: Uncertain significance for Mowat-Wilson syndrome. Last evaluated: 2023-10-03. Review status: criteria provided, single submitter. Criteria: Invitae Variant Classification Sherloc (09022015). Collection method: clinical testing. Allele origin: germline.
Comment: This sequence change replaces glutamic acid, which is acidic and polar, with aspartic acid, which is acidic and polar, at codon 1145 of the ZEB2 protein (p.Glu1145Asp). This variant is not present in population databases (gnomAD no frequency). This variant has not been reported in the literature in individuals affected with ZEB2-related conditions. ClinVar contains an entry for this variant (Variation ID: 1994894). Advanced modeling of protein sequence and biophysical properties (such as structural, functional, and spatial information, amino acid conservation, physicochemical variation, residue mobility, and thermodynamic stability) performed at Invitae indicates that this missense variant is not expected to disrupt ZEB2 protein function. In summary, the available evidence is currently insufficient to determine the role of this variant in disease. Therefore, it has been classified as a Variant of Uncertain Significance.